The following is an entry in ClinVar:

ClinVar aggregate classification (germline): Uncertain significance. Review status: criteria provided, multiple submitters, no conflicts (2 of 4 stars). 2 submissions from 2 submitters: Uncertain significance (2). Last evaluated 2023-11-21.

Conditions:
Hereditary cancer-predisposing syndrome. Also called: Neoplastic Syndromes, Hereditary; Hereditary Cancer Syndrome; Tumor predisposition; Hereditary neoplastic syndrome. Identifiers: Orphanet 140162, MedGen C0027672, MeSH D009386, MONDO:0015356.
Bloom syndrome (BLM). Also called: Bloom-Torre-Machacek syndrome. Identifiers: Orphanet 125, MedGen C0005859, MONDO:0008876, OMIM 210900.

Allele frequency attached by ClinVar (database versions not stated): gnomAD exomes below 0.00001; ExAC 0.00001; gnomAD 0.00001.
gnomAD v4.1: 2 of 1,613,480 alleles (0.00012%); highest among the groups gnomAD compares: African/African-American, 0.0013%; no homozygotes.

Submissions (2):

Ambry Genetics
Classification: Uncertain significance for Hereditary cancer-predisposing syndrome. Last evaluated: 2023-11-21. Review status: criteria provided, single submitter. Criteria: Ambry Variant Classification Scheme 2023. Collection method: clinical testing. Allele origin: germline.
Comment: The c.2340G>A variant (also known as p.L780L), located in coding exon 10 of the BLM gene, results from a G to A substitution at nucleotide position 2340. This nucleotide substitution does not change the leucine at codon 780. This nucleotide position is well conserved in available vertebrate species. In silico splice site analysis predicts that this alteration may weaken the native splice acceptor site and will result in the creation or strengthening of a novel splice acceptor site. Since supporting evidence is limited at this time, the clinical significance of this alteration remains unclear.

Labcorp Genetics (formerly Invitae), Labcorp
Classification: Uncertain significance for Bloom syndrome. Last evaluated: 2021-04-19. Review status: criteria provided, single submitter. Criteria: Invitae Variant Classification Sherloc (09022015). Collection method: clinical testing. Allele origin: germline.
Comment: This sequence change affects codon 780 of the BLM mRNA. It is a 'silent' change, meaning that it does not change the encoded amino acid sequence of the BLM protein. In summary, the available evidence is currently insufficient to determine the role of this variant in disease. Therefore, it has been classified as a Variant of Uncertain Significance. Algorithms developed to predict the effect of sequence changes on RNA splicing suggest that this variant may create or strengthen a splice site, but this prediction has not been confirmed by published transcriptional studies. This variant has not been reported in the literature in individuals with BLM-related disease. This variant is present in population databases (rs756031754, ExAC 0.001%).

NM_000057.4(BLM):c.2340G>A (p.Leu780=)

Gene: BLM (BLM RecQ like helicase; plus strand). Cytogenetic location: 15q26.1.
Variant type: single nucleotide variant.
Coding change: c.2340G>A on transcript NM_000057.4 (MANE Select); coding-DNA position 2340, G replaced by A.
Protein change: p.Leu780=; no amino-acid change (leucine 780 retained).
Molecular consequence: synonymous variant.
Genome position (GRCh38, 1-based): chr15:90,769,165, G>A. VCF-style: chr15-90769165-G-A. GRCh37 (hg19) VCF-style: chr15-91312395-G-A.
Other names: c.2340G>A, p.Leu780= (NM_001287246.2, NM_001287247.2); c.1215G>A, p.Leu405= (NM_001287248.2).
Identifiers: ClinVar variation 583338 (VCV000583338.13), dbSNP rs756031754, ClinGen allele CA7738734.
Genomic context (GRCh38, chr15:90,769,165, plus strand): 5'-TTACATGTCTAATGTATTTCTGGCCTAGATCTGTGCAAGTAACAGACTCATTTCTACTCT[G>A]GAGAATCTCTATGAGAGGAAGCTCTTGGCACGTTTTGTTATTGATGAAGCACATTGTGTC-3'
Protein context (NP_000048.1, residues 770-790): ICASNRLIST[Leu780=]ENLYERKLLA